The following is an entry in ClinVar:

NM_001291303.3(FAT4):c.5539T>C (p.Ser1847Pro)

Gene: FAT4 (FAT atypical cadherin 4; plus strand). Cytogenetic location: 4q28.1.
Variant type: single nucleotide variant.
Coding change: c.5539T>C on transcript NM_001291303.3 (MANE Select); coding-DNA position 5539, T replaced by C.
Protein change: p.Ser1847Pro; replaces serine 1847 with proline.
Molecular consequence: missense variant.
Genome position (GRCh38, 1-based): chr4:125,407,111, T>C. VCF-style: chr4-125407111-T-C. GRCh37 (hg19) VCF-style: chr4-126328266-T-C.
Other names: c.5539T>C, p.Ser1847Pro (NM_001291285.3, NM_024582.6); short protein forms S1847P.
Identifiers: ClinVar variation 1995195 (VCV001995195.4), dbSNP rs772015752, ClinGen allele CA3072740.

ClinVar aggregate classification (germline): Uncertain significance (1 of 4 stars; one submission).

Allele frequency attached by ClinVar (database versions not stated): gnomAD exomes below 0.00001; ExAC 0.00001.
gnomAD v4.1: 6 of 1,613,438 alleles (0.00037%); highest among the groups gnomAD compares: Non-Finnish European, 0.00051%; no homozygotes.

Submission:

Labcorp Genetics (formerly Invitae), Labcorp
Classification: Uncertain significance. Last evaluated: 2022-05-16. Review status: criteria provided, single submitter. Criteria: Invitae Variant Classification Sherloc (09022015). Collection method: clinical testing. Allele origin: germline.
Comment: This sequence change replaces serine, which is neutral and polar, with proline, which is neutral and non-polar, at codon 1847 of the FAT4 protein (p.Ser1847Pro). This variant is present in population databases (rs772015752, gnomAD 0.0009%). This variant has not been reported in the literature in individuals affected with FAT4-related conditions. Advanced modeling of protein sequence and biophysical properties (such as structural, functional, and spatial information, amino acid conservation, physicochemical variation, residue mobility, and thermodynamic stability) performed at Invitae indicates that this missense variant is not expected to disrupt FAT4 protein function. In summary, the available evidence is currently insufficient to determine the role of this variant in disease. Therefore, it has been classified as a Variant of Uncertain Significance.